The following is an entry in ClinVar:

NM_000069.3(CACNA1S):c.1920C>T (p.Tyr640=)

Gene: CACNA1S (calcium voltage-gated channel subunit alpha1 S; minus strand). Cytogenetic location: 1q32.1.
Variant type: single nucleotide variant.
Coding change: c.1920C>T on transcript NM_000069.3 (MANE Select); coding-DNA position 1920, C replaced by T.
Protein change: p.Tyr640=; no amino-acid change (tyrosine 640 retained).
Molecular consequence: synonymous variant.
Genome position (GRCh38, 1-based): chr1:201,075,523, G>A on the plus strand (C>T on the coding strand, the complement: CACNA1S is on the minus strand). VCF-style: chr1-201075523-G-A. GRCh37 (hg19) VCF-style: chr1-201044651-G-A.
Identifiers: ClinVar variation 2098209 (VCV002098209.5), dbSNP rs2464558905, ClinGen allele CA422689029.

ClinVar aggregate classification (germline): Likely benign. Review status: criteria provided, multiple submitters, no conflicts (2 of 4 stars). 2 submissions from 2 submitters: Likely benign (2). Last evaluated 2023-09-17.

Conditions:
Malignant hyperthermia, susceptibility to, 5 (MHS5). Also called: CACNA1S-Related Malignant Hyperthermia Susceptibility. Identifiers: Orphanet 423, MedGen C1866077, MONDO:0011163, OMIM 601887.
Hypokalemic periodic paralysis, type 1. Also called: Hypokalemic Periodic Paralysis Type 1 (AD); HypoPP. Identifiers: Orphanet 681, MedGen C3714580, MONDO:0042979, OMIM 170400.

Allele frequency attached by ClinVar (database versions not stated): gnomAD exomes below 0.00001.
gnomAD v4.1: 6 of 1,613,552 alleles (0.00037%); highest among the groups gnomAD compares: Non-Finnish European, 0.00051%; no homozygotes.

Submissions (2):

All of Us Research Program, National Institutes of Health
Classification: Likely benign for Malignant hyperthermia, susceptibility to, 5. Last evaluated: 2023-09-17. Review status: criteria provided, single submitter. Criteria: ACMG Guidelines, 2015. Collection method: clinical testing. Allele origin: germline. Inheritance: Autosomal dominant inheritance. Observed: 1 variant allele, 1 heterozygote.
Comment: This study involves interpretation of variants in research participants for the purpose of population health screening. Participant phenotype was not available at the time of variant classification. Additional details can be found in publication PMID: 35346344, PMCID: PMC8962531

Labcorp Genetics (formerly Invitae), Labcorp
Classification: Likely benign for Hypokalemic periodic paralysis, type 1; Malignant hyperthermia, susceptibility to, 5. Last evaluated: 2022-02-27. Review status: criteria provided, single submitter. Criteria: Invitae Variant Classification Sherloc (09022015). Collection method: clinical testing. Allele origin: germline.